The following is an entry in ClinVar:

ClinVar aggregate classification (germline): Uncertain significance (1 of 4 stars; one submission).

Conditions:
Charcot-Marie-Tooth disease type 4. Also called: Charcot-Marie-Tooth disease, type IV; Charcot-Marie-Tooth, Type 4. Identifiers: Orphanet 64749, MedGen C4082197, MONDO:0018995.

Allele frequency attached by ClinVar (database versions not stated): gnomAD 0.00001.

Submission:

Labcorp Genetics (formerly Invitae), Labcorp
Classification: Uncertain significance for Charcot-Marie-Tooth disease type 4. Last evaluated: 2021-09-18. Review status: criteria provided, single submitter. Criteria: Invitae Variant Classification Sherloc (09022015). Collection method: clinical testing. Allele origin: germline.
Comment: In summary, the available evidence is currently insufficient to determine the role of this variant in disease. Therefore, it has been classified as a Variant of Uncertain Significance. Algorithms developed to predict the effect of missense changes on protein structure and function are either unavailable or do not agree on the potential impact of this missense change (SIFT: "Tolerated"; PolyPhen-2: "Probably Damaging"; Align-GVGD: "Class C0"). This variant has not been reported in the literature in individuals affected with PRX-related conditions. This variant is not present in population databases (ExAC no frequency). This sequence change replaces glycine with arginine at codon 28 of the PRX protein (p.Gly28Arg). The glycine residue is highly conserved and there is a moderate physicochemical difference between glycine and arginine.

NM_181882.3(PRX):c.82G>A (p.Gly28Arg)

Genes: PRX (periaxin; minus strand), LOC130064454 (ATAC-STARR-seq lymphoblastoid active region 14650; plus strand). Cytogenetic location: 19q13.2.
Variant type: single nucleotide variant.
Coding change: c.82G>A on transcript NM_181882.3 (MANE Select); coding-DNA position 82, G replaced by A.
Protein change: p.Gly28Arg; replaces glycine 28 with arginine.
Molecular consequence: missense variant.
Genome position (GRCh38, 1-based): chr19:40,403,808, C>T on the plus strand (G>A on the coding strand, the complement: PRX is on the minus strand). VCF-style: chr19-40403808-C-T. GRCh37 (hg19) VCF-style: chr19-40909715-C-T.
Other names: c.82G>A, p.Gly28Arg (NM_020956.2); short protein forms G28R.
Identifiers: ClinVar variation 933926 (VCV000933926.8), dbSNP rs2079513379, ClinGen allele CA405901898.